The following is an entry in ClinVar:

ClinVar aggregate classification (germline): Uncertain significance. Review status: criteria provided, multiple submitters, no conflicts (2 of 4 stars). 2 submissions from 2 submitters: Uncertain significance (2). Last evaluated 2023-06-22.

Conditions:
Inborn genetic diseases. Identifiers: MedGen C0950123, MeSH D030342.

Allele frequency attached by ClinVar (database versions not stated): gnomAD exomes below 0.00001 and 0.00001; TOPMed below 0.00001; gnomAD 0.00001.

Submissions (2):

Ambry Genetics
Classification: Uncertain significance for Inborn genetic diseases. Last evaluated: 2023-06-22. Review status: criteria provided, single submitter. Criteria: Ambry Variant Classification Scheme 2023. Collection method: clinical testing. Allele origin: germline.

Labcorp Genetics (formerly Invitae), Labcorp
Classification: Uncertain significance. Last evaluated: 2021-07-13. Review status: criteria provided, single submitter. Criteria: Invitae Variant Classification Sherloc (09022015). Collection method: clinical testing. Allele origin: germline.
Comment: This sequence change replaces arginine with histidine at codon 66 of the NEFH protein (p.Arg66His). The arginine residue is highly conserved and there is a small physicochemical difference between arginine and histidine. The frequency data for this variant in the population databases is considered unreliable, as metrics indicate insufficient coverage at this position in the ExAC database. This variant has not been reported in the literature in individuals affected with NEFH-related conditions. Advanced modeling of protein sequence and biophysical properties (such as structural, functional, and spatial information, amino acid conservation, physicochemical variation, residue mobility, and thermodynamic stability) performed at Invitae indicates that this missense variant is not expected to disrupt NEFH protein function. In summary, the available evidence is currently insufficient to determine the role of this variant in disease. Therefore, it has been classified as a Variant of Uncertain Significance.

NM_021076.4(NEFH):c.197G>A (p.Arg66His)

Gene: NEFH (neurofilament heavy chain; plus strand). Cytogenetic location: 22q12.2.
Variant type: single nucleotide variant.
Coding change: c.197G>A on transcript NM_021076.4 (MANE Select); coding-DNA position 197, G replaced by A.
Protein change: p.Arg66His; replaces arginine 66 with histidine.
Molecular consequence: missense variant.
Genome position (GRCh38, 1-based): chr22:29,480,459, G>A. VCF-style: chr22-29480459-G-A. GRCh37 (hg19) VCF-style: chr22-29876448-G-A.
Other names: c.197G>A (NM_021076.3); short protein forms R66H.
Identifiers: ClinVar variation 1504934 (VCV001504934.9), dbSNP rs113213442, ClinGen allele CA411121919.
Genomic context (GRCh38, chr22:29,480,459, plus strand): 5'-GCTTCCACTCGTGGACACGGACGTCCGTGAGCTCCGTGTCCGCCTCGCCCAGCCGCTTCC[G>A]TGGCGCAGGCGCCGCCTCAAGCACCGACTCGCTGGACACGCTGAGCAACGGGCCGGAGGG-3'
Protein context (NP_066554.2, residues 56-76): SSVSASPSRF[Arg66His]GAGAASSTDS